The following is an entry in ClinVar:

NM_003126.4(SPTA1):c.2128G>T (p.Val710Phe)

Gene: SPTA1 (spectrin alpha, erythrocytic 1; minus strand). Cytogenetic location: 1q23.1.
Variant type: single nucleotide variant.
Coding change: c.2128G>T on transcript NM_003126.4 (MANE Select); coding-DNA position 2128, G replaced by T.
Protein change: p.Val710Phe; replaces valine 710 with phenylalanine.
Molecular consequence: missense variant.
Genome position (GRCh38, 1-based): chr1:158,666,408, C>A on the plus strand (G>T on the coding strand, the complement: SPTA1 is on the minus strand). VCF-style: chr1-158666408-C-A. GRCh37 (hg19) VCF-style: chr1-158636198-C-A.
Other names: p.Val710Phe; c.2128G>T (NM_003126.2); short protein forms V710F.
Identifiers: ClinVar variation 3380050 (VCV003380050.2).
Genomic context (GRCh38, chr1:158,666,408, plus strand): 5'-CGTGTTTCCTGAGTCGATTCTGTACCTCGGCCAGGCCTTTCCCATAATCCTCAGAGGTGA[C>A]TTGCCACTCAACATCCTCCAGCCAGCGCTGCAAATCTTCTGCATTATTTTCAAATTGCAG-3'
Protein context (NP_003117.2, residues 700-720): QRWLEDVEWQ[Val710Phe]TSEDYGKGLA

ClinVar aggregate classification (germline): Uncertain significance. Review status: criteria provided, multiple submitters, no conflicts (2 of 4 stars). 2 submissions from 2 submitters: Uncertain significance (2). Last evaluated 2025-10-28.

gnomAD v4.1: 2 of 1,613,824 alleles (0.00012%); highest among the groups gnomAD compares: Admixed American, 0.0033%; no homozygotes.

Submissions (2):

Ambry Genetics
Classification: Uncertain significance. Last evaluated: 2025-10-28. Review status: criteria provided, single submitter. Criteria: Ambry Variant Classification Scheme 2023. Collection method: clinical testing. Allele origin: germline.

Mayo Clinic Laboratories, Mayo Clinic
Classification: Uncertain significance. Last evaluated: 2023-08-30. Review status: criteria provided, single submitter. Criteria: ACMG Guidelines, 2015. Collection method: clinical testing. Allele origin: germline. Observed: 1 variant allele.
Comment: BP4, PM2_moderate